The following is an entry in ClinVar:

ClinVar aggregate classification (germline): Uncertain significance (1 of 4 stars; one submission).

Conditions:
Immunodeficiency 35 (IMD35). Also called: Susceptibility to infection due to TYK2 deficiency; TYK2 DEFICIENCY; HIES WITH ATYPICAL MYCOBACTERIOSIS, AUTOSOMAL RECESSIVE; HYPER-IgE SYNDROME WITH ATYPICAL MYCOBACTERIOSIS, AUTOSOMAL RECESSIVE. Identifiers: Orphanet 331226, MedGen C1969086, MONDO:0012682, OMIM 611521.

Allele frequency attached by ClinVar (database versions not stated): TOPMed 0.00006; ESP Exome Variant Server 0.00015.
gnomAD v4.1: 30 of 1,612,552 alleles (0.0019%); highest among the groups gnomAD compares: African/African-American, 0.011%; no homozygotes.

Submission:

Labcorp Genetics (formerly Invitae), Labcorp
Classification: Uncertain significance for Immunodeficiency 35. Last evaluated: 2022-03-19. Review status: criteria provided, single submitter. Criteria: Invitae Variant Classification Sherloc (09022015). Collection method: clinical testing. Allele origin: germline.
Comment: This sequence change replaces arginine, which is basic and polar, with tryptophan, which is neutral and slightly polar, at codon 744 of the TYK2 protein (p.Arg744Trp). This variant is present in population databases (rs142676100, gnomAD 0.01%). This variant has not been reported in the literature in individuals affected with TYK2-related conditions. ClinVar contains an entry for this variant (Variation ID: 641716). Algorithms developed to predict the effect of missense changes on protein structure and function are either unavailable or do not agree on the potential impact of this missense change (SIFT: "Not Available"; PolyPhen-2: "Probably Damaging"; Align-GVGD: "Not Available"). In summary, the available evidence is currently insufficient to determine the role of this variant in disease. Therefore, it has been classified as a Variant of Uncertain Significance.

NM_003331.5(TYK2):c.2230C>T (p.Arg744Trp)

Gene: TYK2 (tyrosine kinase 2; minus strand). Cytogenetic location: 19p13.2.
Variant type: single nucleotide variant.
Coding change: c.2230C>T on transcript NM_003331.5 (MANE Select); coding-DNA position 2230, C replaced by T.
Protein change: p.Arg744Trp; replaces arginine 744 with tryptophan.
Molecular consequence: missense variant.
Genome position (GRCh38, 1-based): chr19:10,358,084, G>A on the plus strand (C>T on the coding strand, the complement: TYK2 is on the minus strand). VCF-style: chr19-10358084-G-A. GRCh37 (hg19) VCF-style: chr19-10468760-G-A.
Other names: c.2230C>T (LRG_121t1); short protein forms R744W.
Identifiers: ClinVar variation 641716 (VCV000641716.4), dbSNP rs142676100, ClinGen allele CA9193139.